The following is an entry in ClinVar:

ClinVar aggregate classification (germline): Uncertain significance. Review status: criteria provided, multiple submitters, no conflicts (2 of 4 stars). 2 submissions from 2 submitters: Uncertain significance (2). Last evaluated 2026-06-02.

Conditions:
Hereditary cancer-predisposing syndrome. Also called: Hereditary Cancer Syndrome; Tumor predisposition; Hereditary neoplastic syndrome; Neoplastic Syndromes, Hereditary. Identifiers: Orphanet 140162, MedGen C0027672, MeSH D009386, MONDO:0015356.
Hereditary diffuse gastric adenocarcinoma (HDGC). Also called: DIFFUSE GASTRIC AND LOBULAR BREAST CANCER SYNDROME. Identifiers: Orphanet 26106, MedGen C1708349, MONDO:0007648, OMIM 137215.

Submissions (2):

Ambry Genetics
Classification: Uncertain significance for Hereditary cancer-predisposing syndrome. Last evaluated: 2026-06-02. Review status: criteria provided, single submitter. Criteria: Ambry Variant Classification Scheme 2023. Collection method: clinical testing. Allele origin: germline.
Comment: The p.V17L variant (also known as c.49G>C) is located in coding exon 2 of the CDH1 gene. The valine at codon 17 is replaced by leucine, an amino acid with highly similar properties. This change occurs in the first base pair of coding exon 2. This amino acid position is well conserved in available vertebrate species. In addition, this alteration is predicted to be tolerated by in silico analysis. Based on the available evidence, the clinical significance of this variant remains unclear.

Labcorp Genetics (formerly Invitae), Labcorp
Classification: Uncertain significance for Hereditary diffuse gastric adenocarcinoma. Last evaluated: 2016-12-27. Review status: criteria provided, single submitter. Criteria: Invitae Variant Classification Sherloc (09022015). Collection method: clinical testing. Allele origin: germline.
Comment: This sequence change replaces valine with leucine at codon 17 of the CDH1 protein (p.Val17Leu). The valine residue is highly conserved and there is a small physicochemical difference between valine and leucine. This variant is not present in population databases (ExAC no frequency) and has not been reported in the literature in individuals with a CDH1-related disease. Algorithms developed to predict the effect of missense changes on protein structure and function do not agree on the potential impact of this missense change (SIFT: "Deleterious"; PolyPhen-2: "Benign"; Align-GVGD: "Class C0"). Algorithms developed to predict the effect of sequence changes on RNA splicing suggest that this variant may alter RNA splicing, but this prediction has not been confirmed by published transcriptional studies. In summary, this variant is a novel missense change with uncertain impact on mRNA splicing and protein function. It has been classified as a Variant of Uncertain Significance.

NM_004360.5(CDH1):c.49G>C (p.Val17Leu)

Gene: CDH1 (cadherin 1; plus strand). Cytogenetic location: 16q22.1.
Variant type: single nucleotide variant.
Coding change: c.49G>C on transcript NM_004360.5 (MANE Select); coding-DNA position 49, G replaced by C.
Protein change: p.Val17Leu; replaces valine 17 with leucine.
Molecular consequence: missense variant. On other transcripts: 5 prime UTR variant (2).
Genome position (GRCh38, 1-based): chr16:68,738,297, G>C. VCF-style: chr16-68738297-G-C. GRCh37 (hg19) VCF-style: chr16-68772200-G-C.
Other names: c.49G>C (LRG_301t1); c.49G>C, p.Val17Leu (NM_001317184.2); c.-1567G>C (NM_001317185.2); c.-1771G>C (NM_001317186.2); short protein forms V17L.
Identifiers: ClinVar variation 406612 (VCV000406612.10), dbSNP rs780470521, ClinGen allele CA16614951.